The following is an entry in ClinVar:

NM_003060.4(SLC22A5):c.55C>A (p.Arg19Ser)

Gene: SLC22A5 (solute carrier family 22 member 5; plus strand). Cytogenetic location: 5q31.1.
Variant type: single nucleotide variant.
Coding change: c.55C>A on transcript NM_003060.4 (MANE Select); coding-DNA position 55, C replaced by A.
Protein change: p.Arg19Ser; replaces arginine 19 with serine.
Molecular consequence: missense variant.
Genome position (GRCh38, 1-based): chr5:132,370,027, C>A. VCF-style: chr5-132370027-C-A. GRCh37 (hg19) VCF-style: chr5-131705719-C-A.
Other names: c.55C>A, p.Arg19Ser (NM_001308122.2); short protein forms R19S.
Identifiers: ClinVar variation 651905 (VCV000651905.7), dbSNP rs1319889867, ClinGen allele CA360802287.

ClinVar aggregate classification (germline): Conflicting classifications of pathogenicity. Review status: criteria provided, conflicting classifications (1 of 4 stars). 2 submissions from 2 submitters: Likely pathogenic (1); Uncertain significance (1). Last evaluated 2023-11-24.

Conditions:
Renal carnitine transport defect (CDSP). Also called: Carnitine transporter deficiency; Carnitine Deficiency, Systemic; Systemic primary carnitine deficiency; CARNITINE DEFICIENCY, SYSTEMIC, DUE TO DEFECT IN RENAL REABSORPTION OF CARNITINE; CARNITINE TRANSPORTER, PLASMA-MEMBRANE, DEFICIENCY OF; CARNITINE UPTAKE DEFECT. Identifiers: Orphanet 158, MedGen C0342788, MONDO:0008919, OMIM 212140.

gnomAD v4.1: 4 of 1,613,410 alleles (0.00025%); highest among the groups gnomAD compares: South Asian, 0.0011%; no homozygotes.

Submissions (2):

Labcorp Genetics (formerly Invitae), Labcorp
Classification: Likely pathogenic for Renal carnitine transport defect. Last evaluated: 2023-11-24. Review status: criteria provided, single submitter. Criteria: Invitae Variant Classification Sherloc (09022015). Collection method: clinical testing. Allele origin: germline.
Comment: This sequence change replaces arginine, which is basic and polar, with serine, which is neutral and polar, at codon 19 of the SLC22A5 protein (p.Arg19Ser). This variant is not present in population databases (gnomAD no frequency). This variant has not been reported in the literature in individuals affected with SLC22A5-related conditions. ClinVar contains an entry for this variant (Variation ID: 651905). Advanced modeling of protein sequence and biophysical properties (such as structural, functional, and spatial information, amino acid conservation, physicochemical variation, residue mobility, and thermodynamic stability) performed at Invitae indicates that this missense variant is expected to disrupt SLC22A5 protein function with a positive predictive value of 95%. This variant disrupts the p.Arg19 amino acid residue in SLC22A5. Other variant(s) that disrupt this residue have been determined to be pathogenic (PMID: 11715001). This suggests that this residue is clinically significant, and that variants that disrupt this residue are likely to be disease-causing. In summary, the currently available evidence indicates that the variant is pathogenic, but additional data are needed to prove that conclusively. Therefore, this variant has been classified as Likely Pathogenic.

Fulgent Genetics
Classification: Uncertain significance for Renal carnitine transport defect. Last evaluated: 2021-09-28. Review status: criteria provided, single submitter. Criteria: ACMG Guidelines, 2015. Collection method: clinical testing. Allele origin: unknown.

Literature cited by the submitters: PubMed 11715001 (cited by Labcorp Genetics (formerly Invitae), Labcorp).